The following is an entry in ClinVar:

ClinVar aggregate classification (germline): Uncertain significance (1 of 4 stars; one submission).

Conditions:
Muscular dystrophy-dystroglycanopathy (congenital with brain and eye anomalies), type A2. Also called: MUSCULAR DYSTROPHY-DYSTROGLYCANOPATHY (CONGENITAL WITH BRAIN AND EYE ANOMALIES), TYPE A, 2; WALKER-WARBURG SYNDROME OR MUSCLE-EYE-BRAIN DISEASE, POMT2-RELATED. Identifiers: Orphanet 588, Orphanet 899, MedGen C3150411, MONDO:0013154, OMIM 613150.
Autosomal recessive limb-girdle muscular dystrophy type 2N. Also called: MUSCULAR DYSTROPHY-DYSTROGLYCANOPATHY, LIMB-GIRDLE, POMT2-RELATED; Muscular dystrophy-dystroglycanopathy (limb-girdle), type C, 2. Identifiers: Orphanet 206559, MedGen C3150418, MONDO:0013162, OMIM 613158.
Muscular dystrophy-dystroglycanopathy (congenital with impaired intellectual development), type B, 2. Also called: Muscular dystrophy-dystroglycanopathy (congenital with intellectual disability), type B2; MUSCULAR DYSTROPHY, CONGENITAL, POMT2-RELATED. Identifiers: MedGen C3150416, MONDO:0013160, OMIM 613156.

Allele frequency attached by ClinVar (database versions not stated): TOPMed 0.00001; gnomAD exomes 0.00003; ExAC 0.00008; gnomAD 0.00009.

Submission:

Labcorp Genetics (formerly Invitae), Labcorp
Classification: Uncertain significance for Muscular dystrophy-dystroglycanopathy (congenital with impaired intellectual development), type B, 2; Muscular dystrophy-dystroglycanopathy (congenital with brain and eye anomalies), type A2; Autosomal recessive limb-girdle muscular dystrophy type 2N. Last evaluated: 2022-09-07. Review status: criteria provided, single submitter. Criteria: Invitae Variant Classification Sherloc (09022015). Collection method: clinical testing. Allele origin: germline.
Comment: This sequence change replaces arginine, which is basic and polar, with glutamine, which is neutral and polar, at codon 434 of the POMT2 protein (p.Arg434Gln). This variant is present in population databases (rs748862383, gnomAD 0.05%). This variant has not been reported in the literature in individuals affected with POMT2-related conditions. Algorithms developed to predict the effect of missense changes on protein structure and function are either unavailable or do not agree on the potential impact of this missense change (SIFT: "Deleterious"; PolyPhen-2: "Benign"; Align-GVGD: "Class C0"). In summary, the available evidence is currently insufficient to determine the role of this variant in disease. Therefore, it has been classified as a Variant of Uncertain Significance.

NM_013382.7(POMT2):c.1301G>A (p.Arg434Gln)

Gene: POMT2 (protein O-mannosyltransferase 2; minus strand). Cytogenetic location: 14q24.3.
Variant type: single nucleotide variant.
Coding change: c.1301G>A on transcript NM_013382.7 (MANE Select); coding-DNA position 1301, G replaced by A.
Protein change: p.Arg434Gln; replaces arginine 434 with glutamine.
Molecular consequence: missense variant.
Genome position (GRCh38, 1-based): chr14:77,286,775, C>T on the plus strand (G>A on the coding strand, the complement: POMT2 is on the minus strand). VCF-style: chr14-77286775-C-T. GRCh37 (hg19) VCF-style: chr14-77753118-C-T.
Other names: short protein forms R434Q.
Identifiers: ClinVar variation 2058534 (VCV002058534.1), dbSNP rs748862383, ClinGen allele CA7285902.
Genomic context (GRCh38, chr14:77,286,775, plus strand): 5'-TCCTACTCACATCCCCGTTGCTTACTTACTATGCCATAGCCGGTGACCTGATAGTGCTTC[C>T]GGGTCATGGGGGCCTCATGATAGTGACTGTGCAAGTTCCGGGAAGTTCTAGAAGTTAGAA-3'
Protein context (NP_037514.2, residues 424-444): HSHYHEAPMT[Arg434Gln]KHYQVTGYGI